The following is an entry in ClinVar:

NM_021815.5(SLC5A7):c.1316A>T (p.Tyr439Phe)

Gene: SLC5A7 (solute carrier family 5 member 7; plus strand). Cytogenetic location: 2q12.3.
Variant type: single nucleotide variant.
Coding change: c.1316A>T on transcript NM_021815.5 (MANE Select); coding-DNA position 1316, A replaced by T.
Protein change: p.Tyr439Phe; replaces tyrosine 439 with phenylalanine.
Molecular consequence: missense variant.
Genome position (GRCh38, 1-based): chr2:108,010,434, A>T. VCF-style: chr2-108010434-A-T. GRCh37 (hg19) VCF-style: chr2-108626890-A-T.
Other names: c.1316A>T, p.Tyr439Phe (NM_001305005.3); c.1001A>T, p.Tyr334Phe (NM_001305006.3); c.575A>T, p.Tyr192Phe (NM_001305007.3); short protein forms Y334F, Y192F, Y439F.
Identifiers: ClinVar variation 1488558 (VCV001488558.8), dbSNP rs2104383202, ClinGen allele CA348114309.

ClinVar aggregate classification (germline): Uncertain significance (1 of 4 stars; one submission).

Conditions:
Neuronopathy, distal hereditary motor, type 7A. Also called: Neuronopathy, distal hereditary motor, autosomal dominant 7; SPINAL MUSCULAR ATROPHY, DISTAL, WITH VOCAL CORD PARALYSIS; Neuronopathy, distal hereditary motor, type viia; NEURONOPATHY, DISTAL HEREDITARY MOTOR, HARDING TYPE VIIA; NEUROPATHY, DISTAL HEREDITARY MOTOR, HARDING TYPE VIIA; HARPER-YOUNG MYOPATHY. Identifiers: Orphanet 139589, MedGen C1834703, MONDO:0008024, OMIM 158580.
Congenital myasthenic syndrome 20. Also called: Myasthenic syndrome, congenital, 20, presynaptic. Identifiers: MedGen C4310694, MONDO:0014939, OMIM 617143.

Submission:

Labcorp Genetics (formerly Invitae), Labcorp
Classification: Uncertain significance for Neuronopathy, distal hereditary motor, type 7A; Congenital myasthenic syndrome 20. Last evaluated: 2020-11-25. Review status: criteria provided, single submitter. Criteria: Invitae Variant Classification Sherloc (09022015). Collection method: clinical testing. Allele origin: germline.
Comment: This sequence change replaces tyrosine with phenylalanine at codon 439 of the SLC5A7 protein (p.Tyr439Phe). The tyrosine residue is highly conserved and there is a small physicochemical difference between tyrosine and phenylalanine. This variant is not present in population databases (ExAC no frequency). This variant has not been reported in the literature in individuals with SLC5A7-related conditions. Algorithms developed to predict the effect of missense changes on protein structure and function are either unavailable or do not agree on the potential impact of this missense change (SIFT: "Deleterious"; PolyPhen-2: "Benign"; Align-GVGD: "Class C15"). In summary, the available evidence is currently insufficient to determine the role of this variant in disease. Therefore, it has been classified as a Variant of Uncertain Significance.